The following is an entry in ClinVar:

ClinVar aggregate classification (germline): Uncertain significance (1 of 4 stars; one submission).

Conditions:
Mitochondrial complex II deficiency, nuclear type 1. Also called: SUCCINATE CoQ REDUCTASE DEFICIENCY. Identifiers: Orphanet 3208, MedGen C5700310, MONDO:0100294, OMIM 252011.
Pheochromocytoma/paraganglioma syndrome 5. Also called: Paragangliomas 5; SDHA-Related Hereditary Paraganglioma-Pheochromocytoma Syndrome. Identifiers: Orphanet 29072, MedGen C3279992, MONDO:0013602, OMIM 614165.

Submission:

Labcorp Genetics (formerly Invitae), Labcorp
Classification: Uncertain significance for Pheochromocytoma/paraganglioma syndrome 5; Mitochondrial complex II deficiency, nuclear type 1. Last evaluated: 2025-10-13. Review status: criteria provided, single submitter. Criteria: Invitae Variant Classification Sherloc (09022015). Collection method: clinical testing. Allele origin: germline.
Comment: This sequence change replaces aspartic acid, which is acidic and polar, with valine, which is neutral and non-polar, at codon 479 of the SDHA protein (p.Asp479Val). This variant is not present in population databases (gnomAD no frequency). This variant has not been reported in the literature in individuals affected with SDHA-related conditions. ClinVar contains an entry for this variant (Variation ID: 2952584). Invitae Evidence Modeling of protein sequence and biophysical properties (such as structural, functional, and spatial information, amino acid conservation, physicochemical variation, residue mobility, and thermodynamic stability) indicates that this missense variant is not expected to disrupt SDHA protein function with a negative predictive value of 95%. In summary, the available evidence is currently insufficient to determine the role of this variant in disease. Therefore, it has been classified as a Variant of Uncertain Significance.

NM_004168.4(SDHA):c.1436A>T (p.Asp479Val)

Gene: SDHA (succinate dehydrogenase complex flavoprotein subunit A; plus strand). Cytogenetic location: 5p15.33.
Variant type: single nucleotide variant.
Coding change: c.1436A>T on transcript NM_004168.4 (MANE Select); coding-DNA position 1436, A replaced by T.
Protein change: p.Asp479Val; replaces aspartic acid 479 with valine.
Molecular consequence: missense variant.
Genome position (GRCh38, 1-based): chr5:240,361, A>T. VCF-style: chr5-240361-A-T. GRCh37 (hg19) VCF-style: chr5-240476-A-T.
Other names: c.1292A>T, p.Asp431Val (NM_001294332.2); c.1436A>T, p.Asp479Val (NM_001330758.2); short protein forms D431V, D479V.
Identifiers: ClinVar variation 2952584 (VCV002952584.3), dbSNP rs2477397298, ClinGen allele CA359014162.